The following is an entry in ClinVar:

ClinVar aggregate classification (germline): Uncertain significance (1 of 4 stars; one submission).

Conditions:
Kabuki syndrome. Also called: NIIKAWA-KUROKI SYNDROME; Kabuki make-up syndrome. Identifiers: Orphanet 2322, MedGen C0796004, MONDO:0016512.

Submission:

Labcorp Genetics (formerly Invitae), Labcorp
Classification: Uncertain significance for Kabuki syndrome. Last evaluated: 2024-05-16. Review status: criteria provided, single submitter. Criteria: Invitae Variant Classification Sherloc (09022015). Collection method: clinical testing. Allele origin: germline.
Comment: This sequence change replaces isoleucine, which is neutral and non-polar, with asparagine, which is neutral and polar, at codon 4487 of the KMT2D protein (p.Ile4487Asn). This variant is not present in population databases (gnomAD no frequency). This variant has not been reported in the literature in individuals affected with KMT2D-related conditions. Advanced modeling of protein sequence and biophysical properties (such as structural, functional, and spatial information, amino acid conservation, physicochemical variation, residue mobility, and thermodynamic stability) performed at Invitae indicates that this missense variant is not expected to disrupt KMT2D protein function with a negative predictive value of 95%. In summary, the available evidence is currently insufficient to determine the role of this variant in disease. Therefore, it has been classified as a Variant of Uncertain Significance.

NM_003482.4(KMT2D):c.13460T>A (p.Ile4487Asn)

Gene: KMT2D (lysine methyltransferase 2D; minus strand). Cytogenetic location: 12q13.12.
Variant type: single nucleotide variant.
Coding change: c.13460T>A on transcript NM_003482.4 (MANE Select); coding-DNA position 13460, T replaced by A.
Protein change: p.Ile4487Asn; replaces isoleucine 4487 with asparagine.
Molecular consequence: missense variant.
Genome position (GRCh38, 1-based): chr12:49,031,245, A>T on the plus strand (T>A on the coding strand, the complement: KMT2D is on the minus strand). VCF-style: chr12-49031245-A-T. GRCh37 (hg19) VCF-style: chr12-49425028-A-T.
Other names: short protein forms I4487N.
Identifiers: ClinVar variation 3635100 (VCV003635100.2).
Genomic context (GRCh38, chr12:49,031,245, plus strand): 5'-CTGGGGGTACCCTGTAGTTTCTGCTCCAGCCCAGCCAGCTTGCTGTCAATGTGCCCGTTG[A>T]TCTCAGCTCGCAGCCCCTCGGACCCCCGCCCAGTGCTGAGTTGCACATTCTTTGCCCGGA-3'
Protein context (NP_003473.3, residues 4477-4497): GRGSEGLRAE[Ile4487Asn]NGHIDSKLAG